The following is an entry in ClinVar:

ClinVar aggregate classification (germline): Uncertain significance (1 of 4 stars; one submission).

Conditions:
Cardiovascular phenotype. Identifiers: MedGen CN230736.

gnomAD v4.1: 1 of 1,613,448 alleles (0.000062%); highest among the groups gnomAD compares: Middle Eastern, 0.017%; no homozygotes.

Submission:

Ambry Genetics
Classification: Uncertain significance for Cardiovascular phenotype. Last evaluated: 2025-12-30. Review status: criteria provided, single submitter. Criteria: Ambry Variant Classification Scheme 2023. Collection method: clinical testing. Allele origin: germline.
Comment: The p.V1679I variant (also known as c.5035G>A), located in coding exon 35 of the LAMA4 gene, results from a G to A substitution at nucleotide position 5035. The valine at codon 1679 is replaced by isoleucine, an amino acid with highly similar properties. This amino acid position is conserved. In addition, this alteration is predicted to be tolerated by in silico analysis. Based on the available evidence, the clinical significance of this variant remains unclear.

NM_001105206.3(LAMA4):c.5056G>A (p.Val1686Ile)

Gene: LAMA4 (laminin subunit alpha 4; minus strand). Cytogenetic location: 6q21.
Variant type: single nucleotide variant.
Coding change: c.5056G>A on transcript NM_001105206.3 (MANE Select); coding-DNA position 5056, G replaced by A.
Protein change: p.Val1686Ile; replaces valine 1686 with isoleucine.
Molecular consequence: missense variant.
Genome position (GRCh38, 1-based): chr6:112,115,919, C>T on the plus strand (G>A on the coding strand, the complement: LAMA4 is on the minus strand). VCF-style: chr6-112115919-C-T. GRCh37 (hg19) VCF-style: chr6-112437122-C-T.
Other names: c.5035G>A, p.Val1679Ile (NM_001105207.3, NM_002290.5); short protein forms V1679I, V1686I.
Identifiers: ClinVar variation 4614460 (VCV004614460.2).